The following is an entry in ClinVar:

ClinVar aggregate classification (germline): Conflicting classifications of pathogenicity. Review status: criteria provided, conflicting classifications (1 of 4 stars). 8 submissions from 4 submitters: Uncertain significance (5); Likely benign (3). Last evaluated 2025-12-08.

Conditions:
Autosomal recessive limb-girdle muscular dystrophy type 2J (LGMDR10). Also called: Limb-girdle muscular dystrophy, type 2J; MUSCULAR DYSTROPHY, LIMB-GIRDLE, AUTOSOMAL RECESSIVE 10. Identifiers: Orphanet 140922, MedGen C1837342, MONDO:0012127, OMIM 608807.
Dilated cardiomyopathy 1G (CMD1G). Identifiers: Orphanet 154, MedGen C1858763, MONDO:0011400, OMIM 604145.
Early-onset myopathy with fatal cardiomyopathy (CMYO5). Also called: Salih Myopathy; CONGENITAL MYOPATHY 5 WITH CARDIOMYOPATHY. Identifiers: Orphanet 289377, MedGen C2673677, MONDO:0012714, OMIM 611705. Disease mechanism: loss of function.
Myopathy, myofibrillar, 9, with early respiratory failure (MFM9). Also called: Hereditary myopathy with early respiratory failure; Myopathy, distal, with early respiratory failure, autosomal dominant; EDSTROM MYOPATHY; MYOPATHY, PROXIMAL, WITH EARLY RESPIRATORY MUSCLE INVOLVEMENT. Identifiers: Orphanet 178464, Orphanet 34521, MedGen C1863599, MONDO:0011362, OMIM 603689.
Tibial muscular dystrophy (TMD). Also called: UDD MYOPATHY; Udd Distal Myopathy – Tibial Muscular Dystrophy; Tibial muscular dystrophy, tardive. Identifiers: Orphanet 609, MedGen C1838244, MONDO:0010870, OMIM 600334.

Allele frequency attached by ClinVar (database versions not stated): gnomAD exomes below 0.00001 and 0.00003; ExAC 0.00001; TOPMed 0.00001; gnomAD 0.00002.
gnomAD v4.1: 46 of 1,599,856 alleles (0.0029%); highest among the groups gnomAD compares: Non-Finnish European, 0.0038%; no homozygotes.

Submissions (8):

Labcorp Genetics (formerly Invitae), Labcorp
Classification: Likely benign for Dilated cardiomyopathy 1G; Autosomal recessive limb-girdle muscular dystrophy type 2J. Last evaluated: 2025-12-08. Review status: criteria provided, single submitter. Criteria: Invitae Variant Classification Sherloc (09022015). Collection method: clinical testing. Allele origin: germline.

Blueprint Genetics
Classification: Likely benign. Last evaluated: 2024-05-20. Review status: criteria provided, single submitter. Criteria: ACMG Guidelines, 2015. Collection method: clinical testing. Allele origin: germline.

Illumina Laboratory Services, Illumina
Classification: Uncertain significance for Tibial muscular dystrophy. Last evaluated: 2018-01-13. Review status: criteria provided, single submitter. Criteria: ICSL Variant Classification Criteria 13 December 2019. Collection method: clinical testing. Allele origin: germline.

Illumina Laboratory Services, Illumina
Classification: Uncertain significance for Autosomal recessive limb-girdle muscular dystrophy type 2J. Last evaluated: 2018-01-13. Review status: criteria provided, single submitter. Criteria: ICSL Variant Classification Criteria 13 December 2019. Collection method: clinical testing. Allele origin: germline.

Illumina Laboratory Services, Illumina
Classification: Uncertain significance for Early-onset myopathy with fatal cardiomyopathy. Last evaluated: 2018-01-13. Review status: criteria provided, single submitter. Criteria: ICSL Variant Classification Criteria 13 December 2019. Collection method: clinical testing. Allele origin: germline.

Illumina Laboratory Services, Illumina
Classification: Uncertain significance for Dilated cardiomyopathy 1G. Last evaluated: 2018-01-13. Review status: criteria provided, single submitter. Criteria: ICSL Variant Classification Criteria 13 December 2019. Collection method: clinical testing. Allele origin: germline.

Illumina Laboratory Services, Illumina
Classification: Uncertain significance for Myopathy, myofibrillar, 9, with early respiratory failure. Last evaluated: 2018-01-13. Review status: criteria provided, single submitter. Criteria: ICSL Variant Classification Criteria 13 December 2019. Collection method: clinical testing. Allele origin: germline.

GeneDx
Classification: Likely benign. Last evaluated: 2017-04-25. Review status: criteria provided, single submitter. Criteria: GeneDx Variant Classification (06012015). Collection method: clinical testing. Allele origin: germline. Affected: yes.
Comment: This variant is considered likely benign or benign based on one or more of the following criteria: it is a conservative change, it occurs at a poorly conserved position in the protein, it is predicted to be benign by multiple in silico algorithms, and/or has population frequency not consistent with disease.

NM_001267550.2(TTN):c.15775+15A>C

Gene: TTN (titin; minus strand). Cytogenetic location: 2q31.2.
Variant type: single nucleotide variant.
Coding change: c.15775+15A>C on transcript NM_001267550.2 (MANE Select); 15 bases into the intron after coding-DNA position 15775, A replaced by C.
Molecular consequence: intron variant.
Genome position (GRCh38, 1-based): chr2:178,733,599, T>G on the plus strand (A>C on the coding strand, the complement: TTN is on the minus strand). VCF-style: chr2-178733599-T-G. GRCh37 (hg19) VCF-style: chr2-179598326-T-G.
Other names: c.14824+15A>C (NM_001256850.1); c.13282+4483A>C (NM_003319.4); c.13858+4483A>C (NM_133437.4); c.13657+4483A>C (NM_133432.3); c.12043+15A>C (NM_133378.4).
Identifiers: ClinVar variation 509219 (VCV000509219.13), dbSNP rs776801864, ClinGen allele CA2002166.